The following is an entry in ClinVar:

ClinVar aggregate classification (germline): Conflicting classifications of pathogenicity. Review status: criteria provided, conflicting classifications (1 of 4 stars). 4 submissions from 4 submitters: Likely pathogenic (2); Uncertain significance (2). Last evaluated 2026-08-01.

Conditions:
Hereditary spastic paraplegia 52 (SPG52). Also called: SPASTIC PARAPLEGIA 52, AUTOSOMAL RECESSIVE; CEREBRAL PALSY, SPASTIC QUADRIPLEGIC, 6. Identifiers: Orphanet 280763, MedGen C3279743, MONDO:0013552, OMIM 614067.
AP4S1-related disorder.

Submissions (4):

CeGaT Center for Human Genetics Tuebingen
Classification: Uncertain significance. Last evaluated: 2026-08-01. Review status: criteria provided, single submitter. Criteria: CeGaT Center For Human Genetics Tuebingen Variant Classification Criteria Version 2. Collection method: clinical testing. Allele origin: germline. Affected: yes. Observed: 5 variant alleles.

First Genomix Gene Laboratory, Genetic Diagnostics Department
Classification: Likely pathogenic for Hereditary spastic paraplegia 52. Last evaluated: 2025-01-10. Review status: criteria provided, single submitter. Criteria: ACMG Guidelines, 2015. Collection method: clinical testing. Allele origin: germline. Inheritance: Autosomal recessive inheritance. Affected: no. Observed: 1 variant allele.

Blueprint Genetics
Classification: Likely pathogenic for AP4S1-related disorders. Last evaluated: 2023-10-25. Review status: criteria provided, single submitter. Criteria: ACMG Guidelines, 2015. Collection method: clinical testing. Allele origin: germline. Affected: yes. Observed: 5 variant alleles.

Department of Pathology and Laboratory Medicine, Sinai Health System
Classification: Uncertain significance for Hereditary spastic paraplegia 52. Last evaluated: 2023-09-20. Review status: criteria provided, single submitter. Criteria: ACMG Guidelines, 2015. Collection method: research. Allele origin: germline.

NM_001128126.3(AP4S1):c.306+3006del

Gene: AP4S1 (adaptor related protein complex 4 subunit sigma 1; plus strand). Cytogenetic location: 14q12.
Variant type: Deletion.
Coding change: c.306+3006del on transcript NM_001128126.3 (MANE Select); 3006 bases into the intron after coding-DNA position 306, one base deleted (G; older notation c.306+3006delG).
Molecular consequence: intron variant. On other transcripts: frameshift variant (1).
Genome position (GRCh38, 1-based): chr14:31,083,590, G deleted; the last of 2 consecutive G bases (chr14:31,083,589-31,083,590); deleting either gives the same sequence. VCF-style (leftmost placement, unchanged base first): chr14-31083588-TG-T. GRCh37 (hg19) VCF-style: chr14-31552794-TG-T.
Other names: c.367-1179delG (NM_007077.5); c.431del, p.Gly144fs (NM_001254727.2); c.306+3006del (NM_001254729.2, NM_001254728.2); c.367-1179del (NM_007077.5); c.295-1179del (NM_001254726.2); short protein forms G144fs.
Identifiers: ClinVar variation 807104 (VCV000807104.45), dbSNP rs563687343, ClinGen allele CA7144271.
Genomic context (GRCh38, chr14:31,083,588, plus strand): 5'-AAGGTCTTGCTCTGTCACCCAGGCTGGAGTGCAGAGGTGCGATCATGGCTCACTACACCC[TG>T]GATCTCCTGGGCTCAAGTGATCCTCCTACCTCAGCCTCCCAAGTAGCTGGGACTACAGGT-3'